The following is an entry in ClinVar:

ClinVar aggregate classification (germline): Uncertain significance. Review status: criteria provided, multiple submitters, no conflicts (2 of 4 stars). 6 submissions from 6 submitters: Uncertain significance (6). Last evaluated 2025-10-03.

Conditions:
Autoinflammatory syndrome. Identifiers: Orphanet 93665, MedGen C3890737, MONDO:0019751.
TNFRSF1A-related disorder. Also called: TNFRSF1A-related condition.
TNF receptor-associated periodic fever syndrome (TRAPS) (FPF). Also called: FAMILIAL HIBERNIAN FEVER; TNF RECEPTOR-ASSOCIATED PERIODIC SYNDROME; TUMOR NECROSIS FACTOR RECEPTOR-ASSOCIATED PERIODIC SYNDROME; TNF receptor 1-associated periodic fever syndrome; TNF Receptor-Associated Periodic Fever Syndrome; Autosomal Dominant Familial Periodic Fever. Identifiers: Orphanet 32960, MedGen C1275126, MONDO:0007727, OMIM 142680.

Allele frequency attached by ClinVar (database versions not stated): ExAC 0.00005; gnomAD exomes 0.00005; gnomAD 0.00006 and 0.00007; TOPMed 0.00007; ESP Exome Variant Server 0.00015.

Submissions (6):

Labcorp Genetics (formerly Invitae), Labcorp
Classification: Uncertain significance for TNF receptor-associated periodic fever syndrome (TRAPS). Last evaluated: 2025-10-03. Review status: criteria provided, single submitter. Criteria: Invitae Variant Classification Sherloc (09022015). Collection method: clinical testing. Allele origin: germline.
Comment: This sequence change replaces valine, which is neutral and non-polar, with methionine, which is neutral and non-polar, at codon 112 of the TNFRSF1A protein (p.Val112Met). This variant is present in population databases (rs201753543, gnomAD 0.01%), and has an allele count higher than expected for a pathogenic variant. This variant has not been reported in the literature in individuals affected with TNFRSF1A-related conditions. ClinVar contains an entry for this variant (Variation ID: 234422). Invitae Evidence Modeling of protein sequence and biophysical properties (such as structural, functional, and spatial information, amino acid conservation, physicochemical variation, residue mobility, and thermodynamic stability) has been performed for this missense variant. However, the output from this modeling did not meet the statistical confidence thresholds required to predict the impact of this variant on TNFRSF1A protein function. In summary, the available evidence is currently insufficient to determine the role of this variant in disease. Therefore, it has been classified as a Variant of Uncertain Significance.

PreventionGenetics, part of Exact Sciences
Classification: Uncertain significance for TNFRSF1A-related condition. Last evaluated: 2025-08-05. Review status: criteria provided, single submitter. Criteria: ACMG Guidelines, 2015. Collection method: clinical testing. Allele origin: germline.
Comment: The TNFRSF1A c.334G>A variant is predicted to result in the amino acid substitution p.Val112Met. To our knowledge, this variant has not been reported in the literature. This variant is reported in 0.0097% of alleles in individuals of European (Non-Finnish) descent in gnomAD. At this time, the clinical significance of this variant is uncertain due to the absence of conclusive functional and genetic evidence.

Institute for Clinical Genetics, University Hospital TU Dresden, University Hospital TU Dresden
Classification: Uncertain significance. Last evaluated: 2023-07-19. Review status: criteria provided, single submitter. Criteria: ACMG Guidelines, 2015. Collection method: clinical testing. Allele origin: germline.

ARUP Laboratories, Molecular Genetics and Genomics, ARUP Laboratories
Classification: Uncertain significance. Last evaluated: 2019-05-03. Review status: criteria provided, single submitter. Criteria: ARUP Molecular Germline Variant Investigation Process. Collection method: clinical testing. Allele origin: germline.
Comment: The TNFRSF1A c.334G>A;p.Val112Met variant (also known as V83M) has not been listed in the medical literature, but is listed in a gene-specific database in a symptomatic individual (see link below). Another variant in the same amino acid, c.334G>T;p.Val112Leu (also known as V83L), has been published in the medical literature in an individual reportedly with a periodic fever syndrome (Lobito 2011). The variant is listed in the dbSNP variant database (rs201753543) with an allele frequency of 0.0154 percent (2/13004 alleles) in the Exome Variant Server and 0.005281 percent (13/246160 alleles) in the Genome Aggregation Database. The valine at this position occurs in a conserved functional domain, and is well conserved, but computational algorithms (PolyPhen2, SIFT) predict this variant is tolerated. Considering available information, there is insufficient evidence to classify this variant with certainty.

Genome Diagnostics Laboratory, The Hospital for Sick Children
Classification: Uncertain significance for Autoinflammatory syndrome. Last evaluated: 2016-12-12. Review status: criteria provided, single submitter. Criteria: ACMG Guidelines, 2015. Collection method: clinical testing. Allele origin: germline. Affected: yes.

GeneDx
Classification: Uncertain significance. Last evaluated: 2014-10-28. Review status: criteria provided, single submitter. Criteria: GeneDx Variant Classification (06012015). Collection method: clinical testing. Allele origin: germline. Affected: yes.
Comment: The V112M variant has not been published as a mutation, nor has it been reported as a benign polymorphism to our knowledge. It was not observed at any significant frequency in approximately 6,500 individuals of European and African American ancestry by the NHLBI Exome Sequencing Project. The V112M variant is a conservative amino acid substitution, which is not likely to impact secondary protein structure as these residues share similar properties. This substitution occurs at a position that is conserved across species. In silico analysis predicts this variant is probably damaging to the protein structure/function. A missense mutation at the same residue (V112L) has been reported in association with periodic fever (Lobito et al., 2011), using alternative nomenclature. In addition, the V112L variant and another conservative missense change (V112G) have been observed in two individuals previously tested one of whom also harbored another missense variant. Based on the currently available information, it is unclear whether this variant is a pathogenic mutation or a rare benign variant.

NM_001065.4(TNFRSF1A):c.334G>A (p.Val112Met)

Gene: TNFRSF1A (TNF receptor superfamily member 1A; minus strand). Cytogenetic location: 12p13.31.
Variant type: single nucleotide variant.
Coding change: c.334G>A on transcript NM_001065.4 (MANE Select); coding-DNA position 334, G replaced by A.
Protein change: p.Val112Met; replaces valine 112 with methionine.
Molecular consequence: missense variant. On other transcripts: 5 prime UTR variant (1), non-coding transcript variant (1).
Genome position (GRCh38, 1-based): chr12:6,333,505, C>T on the plus strand (G>A on the coding strand, the complement: TNFRSF1A is on the minus strand). VCF-style: chr12-6333505-C-T. GRCh37 (hg19) VCF-style: chr12-6442671-C-T.
Other names: c.10G>A, p.Val4Met (NM_001346091.2); c.-244G>A (NM_001346092.2); short protein forms V112M, V4M.
Identifiers: ClinVar variation 234422 (VCV000234422.24), dbSNP rs201753543, ClinGen allele CA6405565.